The following is an entry in ClinVar:

NM_080680.3(COL11A2):c.1819-10G>A

Gene: COL11A2 (collagen type XI alpha 2 chain; minus strand). Cytogenetic location: 6p21.32.
Variant type: single nucleotide variant.
Coding change: c.1819-10G>A on transcript NM_080680.3 (MANE Select); 10 bases into the intron before coding-DNA position 1819, G replaced by A.
Molecular consequence: intron variant.
Genome position (GRCh38, 1-based): chr6:33,178,195, C>T on the plus strand (G>A on the coding strand, the complement: COL11A2 is on the minus strand). VCF-style: chr6-33178195-C-T. GRCh37 (hg19) VCF-style: chr6-33145972-C-T.
Other names: c.1498-10G>A (NM_080679.3); c.1561-10G>A (NM_080681.3).
Identifiers: ClinVar variation 226532 (VCV000226532.22), dbSNP rs3129202, ClinGen allele CA3751180.
Genomic context (GRCh38, chr6:33,178,195, plus strand): 5'-GGGTCCAGGAATACCAGGTGGGCCTTTGGGGCCAAGGAGACCTCGAGGTCCCTGCATTCA[C>T]GGTGAGGGGAGGAGACGGCATGAATGGATAAAACTGTGTCCCTTTAGTGCTCATGTCCCC-3'

ClinVar aggregate classification (germline): Conflicting classifications of pathogenicity. Review status: criteria provided, conflicting classifications (1 of 4 stars). 9 submissions from 7 submitters: Uncertain significance (3); Benign (1); Likely benign (5). Last evaluated 2026-01-28.

Conditions:
Otospondylomegaepiphyseal dysplasia, autosomal dominant (OSMEDA). Also called: Pierre Robin syndrome with fetal chondrodysplasia; Stickler syndrome, type 3; COL11A2-Related Stickler Syndrome. Identifiers: Orphanet 166100, Orphanet 3450, MedGen C1848488, MONDO:0008490, OMIM 184840.
Otospondylomegaepiphyseal dysplasia, autosomal recessive (OSMEDB). Also called: Insley-Astley syndrome; CHONDRODYSTROPHY WITH SENSORINEURAL DEAFNESS. Identifiers: Orphanet 1427, MedGen CN034493, MONDO:0044206, OMIM 215150.
Fibrochondrogenesis 2 (FBCG2). Identifiers: Orphanet 2021, MedGen C3281128, MONDO:0013795, OMIM 614524.

Allele frequency attached by ClinVar (database versions not stated): TOPMed 0.00019; gnomAD 0.00024 and 0.00025; gnomAD exomes 0.00034 and 0.00041; ExAC 0.00038; ESP Exome Variant Server 0.00047.
gnomAD v4.1: 646 of 1,611,308 alleles (0.04%); highest among the groups gnomAD compares: Non-Finnish European, 0.046%; no homozygotes.

Submissions (9):

Labcorp Genetics (formerly Invitae), Labcorp
Classification: Likely benign. Last evaluated: 2026-01-28. Review status: criteria provided, single submitter. Criteria: Invitae Variant Classification Sherloc (09022015). Collection method: clinical testing. Allele origin: germline.

Blueprint Genetics
Classification: Likely benign. Last evaluated: 2024-05-20. Review status: criteria provided, single submitter. Criteria: ACMG Guidelines, 2015. Collection method: clinical testing. Allele origin: germline.

Women's Health and Genetics/Laboratory Corporation of America, LabCorp
Classification: Likely benign. Last evaluated: 2023-09-15. Review status: criteria provided, single submitter. Criteria: LabCorp Variant Classification Summary - May 2015. Collection method: clinical testing. Allele origin: germline.
Comment: Variant summary: COL11A2 c.1819-10G>A alters a non-conserved nucleotide located at a position not widely known to affect splicing. Consensus agreement among computation tools predict no significant impact on normal splicing. However, these predictions have yet to be confirmed by functional studies. The variant allele was found at a frequency of 0.00034 in 245908 control chromosomes (gnomAD). To our knowledge, no occurrence of c.1819-10G>A in individuals affected with COL11A2-Related Disorders and no experimental evidence demonstrating its impact on protein function have been reported. Four submitters have cited clinical-significance assessments for this variant to ClinVar after 2014 and classified the variant as either likely benign (n=3) or VUS (n=1). Based on the evidence outlined above, the variant was classified as likely benign.

GeneDx
Classification: Likely benign. Last evaluated: 2021-04-21. Review status: criteria provided, single submitter. Criteria: GeneDx Variant Classification Process June 2021. Collection method: clinical testing. Allele origin: germline. Affected: yes.

Eurofins Ntd Llc (ga)
Classification: Likely benign. Last evaluated: 2018-06-25. Review status: criteria provided, single submitter. Criteria: EGL ClinVar v180209 classification definitions. Collection method: clinical testing. Allele origin: germline. Observed: 2 variant alleles, 2 heterozygotes.

Illumina Laboratory Services, Illumina
Classification: Uncertain significance for Otospondylomegaepiphyseal dysplasia, autosomal dominant. Last evaluated: 2018-01-13. Review status: criteria provided, single submitter. Criteria: ICSL Variant Classification Criteria 13 December 2019. Collection method: clinical testing. Allele origin: germline.

Illumina Laboratory Services, Illumina
Classification: Uncertain significance for Fibrochondrogenesis 2. Last evaluated: 2018-01-13. Review status: criteria provided, single submitter. Criteria: ICSL Variant Classification Criteria 13 December 2019. Collection method: clinical testing. Allele origin: germline.

Illumina Laboratory Services, Illumina
Classification: Uncertain significance for Otospondylomegaepiphyseal dysplasia, autosomal recessive. Last evaluated: 2018-01-13. Review status: criteria provided, single submitter. Criteria: ICSL Variant Classification Criteria 13 December 2019. Collection method: clinical testing. Allele origin: germline.

Laboratory for Molecular Medicine, Mass General Brigham Personalized Medicine
Classification: Benign. Last evaluated: 2012-05-07. Review status: criteria provided, single submitter. Criteria: LMM Criteria. Collection method: clinical testing. Allele origin: germline. Observed: 3 variant alleles.
Comment: 1819-10G>A in Intron 20 of COL11A2: This variant is not expected to have clinica l significance because it has been identified in 9.0% (7/78) of chromosomes from a population in the dbSNP database (r s3129202).